The following is an entry in ClinVar:

ClinVar aggregate classification (germline): Uncertain significance (1 of 4 stars; one submission).

Conditions:
Familial adenomatous polyposis 2. Also called: COLORECTAL ADENOMATOUS POLYPOSIS, AUTOSOMAL RECESSIVE; ADENOMAS, MULTIPLE COLORECTAL, AUTOSOMAL RECESSIVE; MUTYH-associated polyposis; FAP type 2; MUTYH-related attenuated familial adenomatous polyposis; Adenomas, multiple colorectal. Identifiers: Orphanet 220460, Orphanet 247798, MedGen C3272841, MONDO:0012041, OMIM 608456.

Submission:

Labcorp Genetics (formerly Invitae), Labcorp
Classification: Uncertain significance for Familial adenomatous polyposis 2. Last evaluated: 2021-09-02. Review status: criteria provided, single submitter. Criteria: Invitae Variant Classification Sherloc (09022015). Collection method: clinical testing. Allele origin: germline.
Comment: This sequence change replaces leucine with proline at codon 421 of the MUTYH protein (p.Leu421Pro). The leucine residue is moderately conserved and there is a moderate physicochemical difference between leucine and proline. This variant is not present in population databases (ExAC no frequency). This variant has not been reported in the literature in individuals affected with MUTYH-related conditions. ClinVar contains an entry for this variant (Variation ID: 464682). Algorithms developed to predict the effect of missense changes on protein structure and function are either unavailable or do not agree on the potential impact of this missense change (SIFT: "Tolerated"; PolyPhen-2: "Possibly Damaging"; Align-GVGD: "Class C0"). In summary, the available evidence is currently insufficient to determine the role of this variant in disease. Therefore, it has been classified as a Variant of Uncertain Significance.

NM_001048174.2(MUTYH):c.1178T>C (p.Leu393Pro)

Gene: MUTYH (mutY DNA glycosylase; minus strand). Cytogenetic location: 1p34.1.
Variant type: single nucleotide variant.
Coding change: c.1178T>C on transcript NM_001048174.2 (MANE Select); coding-DNA position 1178, T replaced by C.
Protein change: p.Leu393Pro; replaces leucine 393 with proline.
Molecular consequence: missense variant. On other transcripts: non-coding transcript variant (2).
Genome position (GRCh38, 1-based): chr1:45,331,481, A>G on the plus strand (T>C on the coding strand, the complement: MUTYH is on the minus strand). VCF-style: chr1-45331481-A-G. GRCh37 (hg19) VCF-style: chr1-45797153-A-G.
Other names: c.1178T>C, p.Leu393Pro (NM_001048171.2, NM_001048173.2, NM_001293195.2); c.1181T>C, p.Leu394Pro (NM_001048172.2); c.1262T>C, p.Leu421Pro (NM_001128425.2); c.1223T>C, p.Leu408Pro (NM_001293190.2); c.1211T>C, p.Leu404Pro (NM_001293191.2); c.902T>C, p.Leu301Pro (NM_001293192.2, NM_001293196.2); c.833T>C, p.Leu278Pro (NM_001350650.2, NM_001350651.2); c.1253T>C, p.Leu418Pro (NM_012222.3); short protein forms L421P, L301P, L418P, L278P, L404P, L408P, L394P, L393P.
Identifiers: ClinVar variation 464682 (VCV000464682.8), dbSNP rs1553125786, ClinGen allele CA340132939.